The following is an entry in ClinVar:

ClinVar aggregate classification (germline): Uncertain significance (1 of 4 stars; one submission).

Conditions:
Inborn genetic diseases. Identifiers: MedGen C0950123, MeSH D030342.

Submission:

Ambry Genetics
Classification: Uncertain significance for Inborn genetic diseases. Last evaluated: 2025-08-12. Review status: criteria provided, single submitter. Criteria: Ambry Variant Classification Scheme 2023. Collection method: clinical testing. Allele origin: germline.
Comment: The p.L368S variant (also known as c.1103T>C), located in coding exon 9 of the FANCG gene, results from a T to C substitution at nucleotide position 1103. The leucine at codon 368 is replaced by serine, an amino acid with dissimilar properties. This amino acid position is conserved. In addition, the in silico prediction for this alteration is inconclusive. Based on the available evidence, the clinical significance of this variant remains unclear.

NM_004629.2(FANCG):c.1103T>C (p.Leu368Ser)

Gene: FANCG (FA complementation group G; minus strand). Cytogenetic location: 9p13.3.
Variant type: single nucleotide variant.
Coding change: c.1103T>C on transcript NM_004629.2 (MANE Select); coding-DNA position 1103, T replaced by C.
Protein change: p.Leu368Ser; replaces leucine 368 with serine.
Molecular consequence: missense variant.
Genome position (GRCh38, 1-based): chr9:35,076,002, A>G on the plus strand (T>C on the coding strand, the complement: FANCG is on the minus strand). VCF-style: chr9-35076002-A-G. GRCh37 (hg19) VCF-style: chr9-35075999-A-G.
Other names: short protein forms L368S.
Identifiers: ClinVar variation 4254475 (VCV004254475.1).